The following is an entry in ClinVar:

ClinVar aggregate classification (germline): Uncertain significance (1 of 4 stars; one submission).

Conditions:
Tuberous sclerosis 1 (TSC1). Identifiers: Orphanet 805, MedGen C1854465, MONDO:0008612, OMIM 191100.

Submission:

Labcorp Genetics (formerly Invitae), Labcorp
Classification: Uncertain significance for Tuberous sclerosis 1. Last evaluated: 2025-06-15. Review status: criteria provided, single submitter. Criteria: Invitae Variant Classification Sherloc (09022015). Collection method: clinical testing. Allele origin: germline.
Comment: This sequence change replaces serine, which is neutral and polar, with glycine, which is neutral and non-polar, at codon 584 of the TSC1 protein (p.Ser584Gly). This variant is not present in population databases (gnomAD no frequency). This variant has not been reported in the literature in individuals affected with TSC1-related conditions. Invitae Evidence Modeling of protein sequence and biophysical properties (such as structural, functional, and spatial information, amino acid conservation, physicochemical variation, residue mobility, and thermodynamic stability) indicates that this missense variant is not expected to disrupt TSC1 protein function with a negative predictive value of 95%. In summary, the available evidence is currently insufficient to determine the role of this variant in disease. Therefore, it has been classified as a Variant of Uncertain Significance.

NM_000368.5(TSC1):c.1750A>G (p.Ser584Gly)

Gene: TSC1 (TSC complex subunit 1; minus strand). Cytogenetic location: 9q34.13.
Variant type: single nucleotide variant.
Coding change: c.1750A>G on transcript NM_000368.5 (MANE Select); coding-DNA position 1750, A replaced by G.
Protein change: p.Ser584Gly; replaces serine 584 with glycine.
Molecular consequence: missense variant. On other transcripts: non-coding transcript variant (5).
Genome position (GRCh38, 1-based): chr9:132,905,828, T>C on the plus strand (A>G on the coding strand, the complement: TSC1 is on the minus strand). VCF-style: chr9-132905828-T-C. GRCh37 (hg19) VCF-style: chr9-135781215-T-C.
Other names: c.1594A>G, p.Ser532Gly (NM_001406611.1, NM_001406612.1, NM_001406613.1); c.1387A>G, p.Ser463Gly (NM_001406614.1, NM_001406615.1, NM_001406616.1 and 5 more transcripts); c.697A>G, p.Ser233Gly (NM_001406630.1, NM_001406629.1); c.1384A>G, p.Ser462Gly (NM_001406620.1, NM_001406621.1, NM_001406622.1 and 2 more transcripts); c.799A>G, p.Ser267Gly (NM_001406626.1); c.796A>G, p.Ser266Gly (NM_001406627.1, NM_001406628.1); c.1747A>G, p.Ser583Gly (NM_001406600.1, NM_001406603.1, NM_001406604.1 and 6 more transcripts); c.1750A>G, p.Ser584Gly (NM_001406601.1, NM_001406602.1, NM_001406605.1 and 7 more transcripts); and 1 more; short protein forms S583G, S233G, S266G, S267G, S462G, S463G, S532G, S533G.
Identifiers: ClinVar variation 4709648 (VCV004709648.1).